The following is an entry in ClinVar:

NM_000021.4(PSEN1):c.436A>C (p.Met146Leu)

Gene: PSEN1 (presenilin 1; plus strand). Cytogenetic location: 14q24.2.
Variant type: single nucleotide variant.
Coding change: c.436A>C on transcript NM_000021.4 (MANE Select); coding-DNA position 436, A replaced by C.
Protein change: p.Met146Leu; replaces methionine 146 with leucine.
Molecular consequence: missense variant.
Genome position (GRCh38, 1-based): chr14:73,173,663, A>C. VCF-style: chr14-73173663-A-C. GRCh37 (hg19) VCF-style: chr14-73640371-A-C.
Other names: c.424A>C, p.Met142Leu (NM_007318.3); short protein forms M146L, M142L.
Identifiers: ClinVar variation 18123 (VCV000018123.22), dbSNP rs63750306, ClinGen allele CA341490.
Genomic context (GRCh38, chr14:73,173,663, plus strand): 5'-GGCCAGAGAGCCCTGCACTCAATTCTGAATGCTGCCATCATGATCAGTGTCATTGTTGTC[A>C]TGACTATCCTCCTGGTGGTTCTGTATAAATACAGGTGCTATAAGGTGAGCATGAGACACA-3'
Protein context (NP_000012.1, residues 136-156): AAIMISVIVV[Met146Leu]TILLVVLYKY

ClinVar aggregate classification (germline): Pathogenic. Review status: criteria provided, multiple submitters, no conflicts (2 of 4 stars). 6 submissions from 6 submitters: Pathogenic (4). 2 of the submissions do not count toward it. Last evaluated 2025-06-01.

Conditions:
Frontotemporal dementia (FTD1). Also called: WILHELMSEN-LYNCH DISEASE; Frontotemporal lobe dementia (FLDEM); Dementia, frontotemporal, with or without parkinsonism; Frontotemporal Dementia with Parkinsonism-17 (FTDP-17); FRONTOTEMPORAL DEMENTIA WITH PARKINSONISM; FRONTOTEMPORAL LOBE DEMENTIA. Identifiers: Orphanet 282, MedGen C0338451, MONDO:0017276, OMIM 600274, HP:0002145.
Alzheimer disease 3 (AD3). Also called: ALZHEIMER DISEASE, FAMILIAL, 3. Identifiers: Orphanet 1020, MedGen C1843013, MONDO:0011913, OMIM 607822.
Acne inversa, familial, 3 (ACNINV3). Identifiers: MedGen C3151038, MONDO:0013398, OMIM 613737.
Pick disease. Also called: Pick Disease of the Brain; Pick's disease; LOBAR ATROPHY OF BRAIN; PICK DISEASE OF BRAIN; DEMENTIA WITH LOBAR ATROPHY AND NEURONAL CYTOPLASMIC INCLUSIONS. Identifiers: Orphanet 282, MedGen C0236642, MONDO:0008243, OMIM 172700.

Allele frequency attached by ClinVar (database versions not stated): gnomAD exomes below 0.00001.

Submissions (6):

Labcorp Genetics (formerly Invitae), Labcorp
Classification: Pathogenic for Alzheimer disease 3; Pick disease; Acne inversa, familial, 3; Frontotemporal dementia. Last evaluated: 2025-06-01. Review status: criteria provided, single submitter. Criteria: Invitae Variant Classification Sherloc (09022015). Collection method: clinical testing. Allele origin: germline.
Comment: This sequence change replaces methionine, which is neutral and non-polar, with leucine, which is neutral and non-polar, at codon 146 of the PSEN1 protein (p.Met146Leu). This variant is not present in population databases (gnomAD no frequency). This missense change has been observed in individual(s) with early-onset Alzheimer's disease (PMID: 7550356, 7596406, 10441572, 15622541, 15776278, 20164095, 23792692). It is commonly reported in individuals of Calabrian ancestry (PMID: 20164095, 27730373). ClinVar contains an entry for this variant (Variation ID: 18123). Invitae Evidence Modeling of protein sequence and biophysical properties (such as structural, functional, and spatial information, amino acid conservation, physicochemical variation, residue mobility, and thermodynamic stability) has been performed for this missense variant. However, the output from this modeling did not meet the statistical confidence thresholds required to predict the impact of this variant on PSEN1 protein function. Experimental studies have shown that this missense change affects PSEN1 function (PMID: 10783295, 18760694, 20847418, 27930341). For these reasons, this variant has been classified as Pathogenic.

Institute of Medical Genetics and Applied Genomics, University Hospital Tübingen
Classification: Pathogenic for Alzheimer disease 3. Last evaluated: 2023-11-14. Review status: criteria provided, single submitter. Criteria: ACMG Guidelines, 2015. Collection method: clinical testing. Allele origin: germline. Inheritance: Autosomal dominant inheritance. Affected: yes.

GeneDx
Classification: Pathogenic. Last evaluated: 2022-07-21. Review status: criteria provided, single submitter. Criteria: GeneDx Variant Classification Process June 2021. Collection method: clinical testing. Allele origin: germline. Affected: yes.
Comment: Published functional studies demonstrate a damaging effect (partial loss of function affecting amyloid precursor protein processing) (Konstantinidis et al, 2022; Nelson et al., 2010); Not observed at significant frequency in large population cohorts (gnomAD); This variant is associated with the following publications: (PMID: 10783295, 20634584, 23792692, 10956569, 20205669, 20484632, 20847418, 22461631, 23674689, 28694093, 7596406, 35505961, 34654824, 20164096, 9800154, 27930341, 15622541, 26756738, 18760694, 24793844, 26202697, 32070692, 33188256, 31273712, 26252541, 20164095, 28717674, 21501974, 11524469)

Revvity Omics, Revvity
Classification: Pathogenic. Last evaluated: 2022-02-17. Review status: criteria provided, single submitter. Criteria: ACMG Guidelines, 2015. Collection method: clinical testing. Allele origin: germline.

OMIM
Classification: Pathogenic for ALZHEIMER DISEASE, FAMILIAL, 3. Last evaluated: 2010-03-09. Review status: no assertion criteria provided. Collection method: literature only. Allele origin: germline. Not counted in ClinVar's aggregate classification.

GeneReviews
No classification provided. Condition: Alzheimer disease 3. Review status: no classification provided. Collection method: literature only. Allele origin: unknown. Not counted in ClinVar's aggregate classification.

Literature cited by the submitters: PubMed 7550356 (cited by Labcorp Genetics (formerly Invitae), Labcorp); PubMed 7596406 (cited by 3 submitters); PubMed 10441572 (cited by Labcorp Genetics (formerly Invitae), Labcorp); PubMed 15622541 (cited by 3 submitters); PubMed 15776278 (cited by Labcorp Genetics (formerly Invitae), Labcorp); PubMed 20164095 (cited by Labcorp Genetics (formerly Invitae), Labcorp and OMIM); PubMed 23792692 (cited by Labcorp Genetics (formerly Invitae), Labcorp); PubMed 27730373 (cited by Labcorp Genetics (formerly Invitae), Labcorp); PubMed 10783295 (cited by Labcorp Genetics (formerly Invitae), Labcorp); PubMed 18760694 (cited by Labcorp Genetics (formerly Invitae), Labcorp); PubMed 20847418 (cited by Labcorp Genetics (formerly Invitae), Labcorp); PubMed 27930341 (cited by Labcorp Genetics (formerly Invitae), Labcorp); PubMed 7623584 (cited by OMIM and GeneReviews); PubMed 9712537 (cited by OMIM and GeneReviews); PubMed 20301414 (cited by GeneReviews); NCBI Bookshelf NBK1236 (cited by GeneReviews).